The following is an entry in ClinVar:

NM_006231.4(POLE):c.1360-9T>C

Gene: POLE (DNA polymerase epsilon, catalytic subunit; minus strand). Cytogenetic location: 12q24.33.
Variant type: single nucleotide variant.
Coding change: c.1360-9T>C on transcript NM_006231.4 (MANE Select); 9 bases into the intron before coding-DNA position 1360, T replaced by C.
Molecular consequence: intron variant.
Genome position (GRCh38, 1-based): chr12:132,673,286, A>G on the plus strand (T>C on the coding strand, the complement: POLE is on the minus strand). VCF-style: chr12-132673286-A-G. GRCh37 (hg19) VCF-style: chr12-133249872-A-G.
Identifiers: ClinVar variation 2705682 (VCV002705682.4), dbSNP rs2135997209, ClinGen allele CA2697551606.

ClinVar aggregate classification (germline): Likely benign. Review status: criteria provided, multiple submitters, no conflicts (2 of 4 stars). 2 submissions from 2 submitters: Likely benign (2). Last evaluated 2025-02-11.

Conditions:
Colorectal cancer, susceptibility to, 12 (CRCS12). Also called: COLORECTAL CANCER, SUSCEPTIBILITY TO, ON CHROMOSOME 12q24. Identifiers: Orphanet 220460, MedGen C3554460, MONDO:0014038, OMIM 615083.

Submissions (2):

Myriad Genetics, Inc.
Classification: Likely benign for Colorectal cancer, susceptibility to, 12. Last evaluated: 2025-02-11. Review status: criteria provided, single submitter. Criteria: Myriad Autosomal Dominant, Autosomal Recessive and X-Linked Classification Criteria (2023). Collection method: clinical testing. Allele origin: unknown.
Comment: This variant is considered likely benign. This variant is intronic and is not expected to impact mRNA splicing.

Labcorp Genetics (formerly Invitae), Labcorp
Classification: Likely benign. Last evaluated: 2025-01-29. Review status: criteria provided, single submitter. Criteria: Invitae Variant Classification Sherloc (09022015). Collection method: clinical testing. Allele origin: germline.